The following is an entry in ClinVar:

ClinVar aggregate classification (germline): Benign (3 of 4 stars; one submission).

Conditions:
Breast-ovarian cancer, familial, susceptibility to, 2 (BROVCA2). Also called: BRCA2 Hereditary Breast and Ovarian Cancer. Identifiers: Orphanet 145, MedGen C2675520, MONDO:0012933, OMIM 612555. Disease mechanism: loss of function.

Allele frequency attached by ClinVar (database versions not stated): gnomAD 0.03644 and 0.04043; TOPMed 0.04183; 1000 Genomes Project 0.07268; 1000 Genomes Project 30x 0.07292.
gnomAD v4.1: 6,152 of 152,052 alleles (4%); highest among the groups gnomAD compares: South Asian, 11%; 211 homozygotes.

Submission:

Evidence-based Network for the Interpretation of Germline Mutant Alleles (ENIGMA)
Classification: Benign for Breast-ovarian cancer, familial 2. Last evaluated: 2015-01-12. Review status: reviewed by expert panel. Criteria: ENIGMA BRCA1/2 Classification Criteria (2015). Collection method: curation. Allele origin: germline.
Comment: Class 1 not pathogenic based on frequency >1% in an outbred sampleset. Frequency 0.1049 (Asian), 0.01423 (African), 0.03694 (European), derived from 1000 genomes (2012-04-30).

NM_000059.4(BRCA2):c.8331+1415C>T

Gene: BRCA2 (BRCA2 DNA repair associated; plus strand). Cytogenetic location: 13q13.1.
Variant type: single nucleotide variant.
Coding change: c.8331+1415C>T on transcript NM_000059.4 (MANE Select); 1415 bases into the intron after coding-DNA position 8331, C replaced by T.
Molecular consequence: intron variant.
Genome position (GRCh38, 1-based): chr13:32,364,948, C>T. VCF-style: chr13-32364948-C-T. GRCh37 (hg19) VCF-style: chr13-32939085-C-T.
Other names: IVS 18+1415C>T.
Identifiers: ClinVar variation 209786 (VCV000209786.1), dbSNP rs11571727, ClinGen allele CA276754.
Genomic context (GRCh38, chr13:32,364,948, plus strand): 5'-CCCCATTTCCTGGTTTCCATGTCATCTTTCTAGAGTTTTTCCCCCAATTTTAAGGGCCCA[C>T]AACTCTCAGAGGCTTGTTGGGAAAAGGAGCATGCAAGCTTTTTGATATCTTAGGGTAAGG-3'